The following is an entry in ClinVar:

NM_017849.4(TMEM127):c.27_97del (p.Pro10fs)

Genes: TMEM127 (transmembrane protein 127; minus strand), LOC129934333 (ATAC-STARR-seq lymphoblastoid silent region 11759; plus strand). Cytogenetic location: 2q11.2.
Variant type: Deletion.
Coding change: c.27_97del on transcript NM_017849.4 (MANE Select); coding-DNA positions 27 to 97, 71 bases deleted.
Protein change: p.Pro10fs; shifts the reading frame from proline 10.
Molecular consequence: frameshift variant. On other transcripts: intron variant (1).
Genome position (GRCh38, 1-based): chr2:96,265,285-96,265,355, 71 bases deleted. GRCh37 (hg19): chr2:96,931,025-96,931,095.
Other names: c.27_97del, p.Pro10fs (NM_001193304.3); c.-9+514_-9+584del (NM_001407283.1); c.27_97del71 (NM_017849.3); short protein forms P10fs.
Identifiers: ClinVar variation 4552200 (VCV004552200.1).

ClinVar aggregate classification (germline): Pathogenic (1 of 4 stars; one submission).

Conditions:
Hereditary cancer-predisposing syndrome. Also called: Tumor predisposition; Hereditary Cancer Syndrome; Hereditary neoplastic syndrome; Neoplastic Syndromes, Hereditary. Identifiers: Orphanet 140162, MedGen C0027672, MeSH D009386, MONDO:0015356.

Submission:

Ambry Genetics
Classification: Pathogenic for Hereditary cancer-predisposing syndrome. Last evaluated: 2025-12-01. Review status: criteria provided, single submitter. Criteria: Ambry Variant Classification Scheme 2023. Collection method: clinical testing. Allele origin: germline.
Comment: The c.27_97del71 pathogenic mutation, located in coding exon 1 of the TMEM127 gene, results from a deletion of 71 nucleotides at nucleotide positions 27 to 97, causing a translational frameshift with a predicted alternate stop codon (p.P10Gfs*74). This variant is considered to be rare based on population cohorts in the Genome Aggregation Database (gnomAD). This alteration is expected to result in loss of function by premature protein truncation or nonsense-mediated mRNA decay. As such, this alteration is interpreted as a disease-causing mutation.